The following is an entry in ClinVar:

ClinVar aggregate classification (germline): Likely benign. Review status: criteria provided, single submitter (1 of 4 stars). 2 submissions from 2 submitters: Likely benign (1). 1 of the submissions does not count toward it. Last evaluated 2025-10-13.

Conditions:
PHIP-related disorder. Also called: PHIP-related condition; PHIP-related disorders.

Allele frequency attached by ClinVar (database versions not stated): TOPMed below 0.00001; gnomAD exomes 0.00001.
gnomAD v4.1: 9 of 1,614,054 alleles (0.00056%); highest among the groups gnomAD compares: South Asian, 0.0022%; no homozygotes.

Submissions (2):

Labcorp Genetics (formerly Invitae), Labcorp
Classification: Likely benign. Last evaluated: 2025-10-13. Review status: criteria provided, single submitter. Criteria: Invitae Variant Classification Sherloc (09022015). Collection method: clinical testing. Allele origin: germline.

PreventionGenetics, part of Exact Sciences
Classification: Likely benign for PHIP-related condition. Last evaluated: 2024-07-11. Review status: no assertion criteria provided. Collection method: clinical testing. Allele origin: germline. Not counted in ClinVar's aggregate classification.
Comment: This variant is classified as likely benign based on ACMG/AMP sequence variant interpretation guidelines (Richards et al. 2015 PMID: 25741868, with internal and published modifications).

NM_017934.7(PHIP):c.4485C>T (p.Asn1495=)

Genes: IRAK1BP1 (interleukin 1 receptor associated kinase 1 binding protein 1; plus strand), PHIP (PHIP subunit of CUL4-Ring ligase complex; minus strand). Cytogenetic location: 6q14.1.
Variant type: single nucleotide variant.
Coding change: c.4485C>T on transcript NM_017934.7 (MANE Select); coding-DNA position 4485, C replaced by T.
Protein change: p.Asn1495=; no amino-acid change (asparagine 1495 retained).
Molecular consequence: synonymous variant.
Genome position (GRCh38, 1-based): chr6:78,946,146, G>A on the plus strand (C>T on the coding strand, the complement: PHIP is on the minus strand). VCF-style: chr6-78946146-G-A. GRCh37 (hg19) VCF-style: chr6-79655863-G-A.
Other names: c.4485C>T (NM_017934.6).
Identifiers: ClinVar variation 2920308 (VCV002920308.4), dbSNP rs1474049210, ClinGen allele CA451009862.